The following is an entry in ClinVar:

ClinVar aggregate classification (germline): Uncertain significance (1 of 4 stars; one submission).

Submission:

Labcorp Genetics (formerly Invitae), Labcorp
Classification: Uncertain significance. Last evaluated: 2022-05-27. Review status: criteria provided, single submitter. Criteria: Invitae Variant Classification Sherloc (09022015). Collection method: clinical testing. Allele origin: germline.
Comment: This sequence change falls in intron 55 of the USH2A gene. It does not directly change the encoded amino acid sequence of the USH2A protein. It affects a nucleotide within the consensus splice site. This variant is not present in population databases (gnomAD no frequency). This variant has been observed in individual(s) with retinitis pigmentosa (Invitae). Variants that disrupt the consensus splice site are a relatively common cause of aberrant splicing (PMID: 17576681, 9536098). Algorithms developed to predict the effect of sequence changes on RNA splicing suggest that this variant may disrupt the consensus splice site. In summary, the available evidence is currently insufficient to determine the role of this variant in disease. Therefore, it has been classified as a Variant of Uncertain Significance.

Literature cited by the submitters: PubMed 17576681; PubMed 9536098.

NM_206933.4(USH2A):c.10939+5G>T

Gene: USH2A (usherin; minus strand). Cytogenetic location: 1q41.
Variant type: single nucleotide variant.
Coding change: c.10939+5G>T on transcript NM_206933.4 (MANE Select); 5 bases into the intron after coding-DNA position 10939, G replaced by T.
Molecular consequence: intron variant.
Genome position (GRCh38, 1-based): chr1:215,779,838, C>A on the plus strand (G>T on the coding strand, the complement: USH2A is on the minus strand). VCF-style: chr1-215779838-C-A. GRCh37 (hg19) VCF-style: chr1-215953180-C-A.
Identifiers: ClinVar variation 2193396 (VCV002193396.1), dbSNP rs780717399, ClinGen allele CA2580062042.
Genomic context (GRCh38, chr1:215,779,838, plus strand): 5'-CTTTGCCCCCCTAACCACAATGACAGACTCCTCCAGTAGGATTTCCTTTTTTTTTGTTTT[C>A]TCACCTGTGACCGTATGCTGTCTCCTGTCAGTGGTGTCAGTGTGGATGAGACCTTTCCCA-3'